The following is an entry in ClinVar:

NM_005477.3(HCN4):c.2582A>G (p.Gln861Arg)

Gene: HCN4 (hyperpolarization activated cyclic nucleotide gated potassium channel 4; minus strand). Cytogenetic location: 15q24.1.
Variant type: single nucleotide variant.
Coding change: c.2582A>G on transcript NM_005477.3 (MANE Select); coding-DNA position 2582, A replaced by G.
Protein change: p.Gln861Arg; replaces glutamine 861 with arginine.
Molecular consequence: missense variant.
Genome position (GRCh38, 1-based): chr15:73,323,511, T>C on the plus strand (A>G on the coding strand, the complement: HCN4 is on the minus strand). VCF-style: chr15-73323511-T-C. GRCh37 (hg19) VCF-style: chr15-73615852-T-C.
Other names: short protein forms Q861R.
Identifiers: ClinVar variation 4752836 (VCV004752836.1).

ClinVar aggregate classification (germline): Uncertain significance (1 of 4 stars; one submission).

Conditions:
Brugada syndrome 8 (BRGDA8). Identifiers: Orphanet 130, MedGen C2751083, MONDO:0013148, OMIM 613123.

gnomAD v4.1: 2 of 1,602,026 alleles (0.00012%); highest among the groups gnomAD compares: Non-Finnish European, 0.00017%; no homozygotes.

Submission:

Labcorp Genetics (formerly Invitae), Labcorp
Classification: Uncertain significance for Brugada syndrome 8. Last evaluated: 2026-02-03. Review status: criteria provided, single submitter. Criteria: Invitae Variant Classification Sherloc (09022015). Collection method: clinical testing. Allele origin: germline.
Comment: This sequence change replaces glutamine, which is neutral and polar, with arginine, which is basic and polar, at codon 861 of the HCN4 protein (p.Gln861Arg). This variant is not present in population databases (gnomAD no frequency). This variant has not been reported in the literature in individuals affected with HCN4-related conditions. Invitae Evidence Modeling of protein sequence and biophysical properties (such as structural, functional, and spatial information, amino acid conservation, physicochemical variation, residue mobility, and thermodynamic stability) indicates that this missense variant is not expected to disrupt HCN4 protein function with a negative predictive value of 95%. In summary, the available evidence is currently insufficient to determine the role of this variant in disease. Therefore, it has been classified as a Variant of Uncertain Significance.